The following is an entry in ClinVar:

ClinVar aggregate classification (germline): Benign (1 of 4 stars; one submission).

Allele frequency attached by ClinVar (database versions not stated): 1000 Genomes Project 0.88718; 1000 Genomes Project 30x 0.88882; TOPMed 0.90352; gnomAD 0.90685 and 0.90904.
gnomAD v4.1: 137,725 of 151,992 alleles (91%); highest among the groups gnomAD compares: African/African-American, 98%; 62,626 homozygotes.

Submission:

GeneDx
Classification: Benign. Last evaluated: 2018-06-14. Review status: criteria provided, single submitter. Criteria: GeneDx Variant Classification (06012015). Collection method: clinical testing. Allele origin: germline. Affected: yes.
Comment: This variant is considered likely benign or benign based on one or more of the following criteria: it is a conservative change, it occurs at a poorly conserved position in the protein, it is predicted to be benign by multiple in silico algorithms, and/or has population frequency not consistent with disease.

NM_022124.6(CDH23):c.5821-309G>A

Gene: CDH23 (cadherin related 23; plus strand). Cytogenetic location: 10q22.1.
Variant type: single nucleotide variant.
Coding change: c.5821-309G>A on transcript NM_022124.6 (MANE Select); 309 bases into the intron before coding-DNA position 5821, G replaced by A.
Molecular consequence: intron variant.
Genome position (GRCh38, 1-based): chr10:71,788,631, G>A. VCF-style: chr10-71788631-G-A. GRCh37 (hg19) VCF-style: chr10-73548388-G-A.
Identifiers: ClinVar variation 680507 (VCV000680507.1), dbSNP rs4747189, ClinGen allele CA13280473.